The following is an entry in ClinVar:

ClinVar aggregate classification (germline): Uncertain significance (1 of 4 stars; one submission).

Conditions:
Hereditary cancer-predisposing syndrome. Also called: Neoplastic Syndromes, Hereditary; Tumor predisposition; Hereditary neoplastic syndrome; Hereditary Cancer Syndrome. Identifiers: Orphanet 140162, MedGen C0027672, MeSH D009386, MONDO:0015356.
Cardiovascular phenotype. Identifiers: MedGen CN230736.

Submission:

Ambry Genetics
Classification: Uncertain significance for Cardiovascular phenotype; Hereditary cancer-predisposing syndrome. Last evaluated: 2024-02-03. Review status: criteria provided, single submitter. Criteria: Ambry Variant Classification Scheme 2023. Collection method: clinical testing. Allele origin: germline.
Comment: The p.D238Y variant (also known as c.712G>T), located in coding exon 8 of the LZTR1 gene, results from a G to T substitution at nucleotide position 712. The aspartic acid at codon 238 is replaced by tyrosine, an amino acid with highly dissimilar properties. This amino acid position is conserved. In addition, this alteration is predicted to be deleterious by in silico analysis. Based on the available evidence, the clinical significance of this alteration remains unclear.

NM_006767.4(LZTR1):c.712G>T (p.Asp238Tyr)

Gene: LZTR1 (leucine zipper like post translational regulator 1; plus strand). Cytogenetic location: 22q11.21.
Variant type: single nucleotide variant.
Coding change: c.712G>T on transcript NM_006767.4 (MANE Select); coding-DNA position 712, G replaced by T.
Protein change: p.Asp238Tyr; replaces aspartic acid 238 with tyrosine.
Molecular consequence: missense variant.
Genome position (GRCh38, 1-based): chr22:20,990,446, G>T. VCF-style: chr22-20990446-G-T. GRCh37 (hg19) VCF-style: chr22-21344735-G-T.
Other names: short protein forms D238Y.
Identifiers: ClinVar variation 3238329 (VCV003238329.1), dbSNP rs750904684.